The following is an entry in ClinVar:

ClinVar aggregate classification (germline): Uncertain significance (1 of 4 stars; one submission).

Submission:

GeneDx
Classification: Uncertain significance. Last evaluated: 2026-03-10. Review status: criteria provided, single submitter. Criteria: GeneDx Variant Classification Process June 2021. Collection method: clinical testing. Allele origin: germline.
Comment: Not observed at significant frequency in large population cohorts (gnomAD); In silico analysis supports that this missense variant has a deleterious effect on protein structure/function; Has not been previously published as pathogenic or benign to our knowledge

NM_000426.4(LAMA2):c.6332A>G (p.Asp2111Gly)

Gene: LAMA2 (laminin subunit alpha 2; plus strand). Cytogenetic location: 6q22.33.
Variant type: single nucleotide variant.
Coding change: c.6332A>G on transcript NM_000426.4 (MANE Select); coding-DNA position 6332, A replaced by G.
Protein change: p.Asp2111Gly; replaces aspartic acid 2111 with glycine.
Molecular consequence: missense variant.
Genome position (GRCh38, 1-based): chr6:129,445,724, A>G. VCF-style: chr6-129445724-A-G. GRCh37 (hg19) VCF-style: chr6-129766869-A-G.
Other names: c.6332A>G, p.Asp2111Gly (NM_001079823.2); short protein forms D2111G.
Identifiers: ClinVar variation 5008798 (VCV005008798.1).